The following is an entry in ClinVar:

ClinVar aggregate classification (germline): Pathogenic. Review status: criteria provided, multiple submitters, no conflicts (2 of 4 stars). 2 submissions from 2 submitters: Pathogenic (2). Last evaluated 2025-06-16.

Conditions:
Inborn genetic diseases. Identifiers: MedGen C0950123, MeSH D030342.
Developmental and epileptic encephalopathy, 31A. Also called: Developmental and epileptic encephalopathy, 31; Epileptic encephalopathy, early infantile, 31. Identifiers: Orphanet 2382, MedGen C4225357, MONDO:0014598, OMIM 616346.

Submissions (2):

Labcorp Genetics (formerly Invitae), Labcorp
Classification: Pathogenic for Developmental and epileptic encephalopathy, 31A. Last evaluated: 2025-06-16. Review status: criteria provided, single submitter. Criteria: Invitae Variant Classification Sherloc (09022015). Collection method: clinical testing. Allele origin: germline.
Comment: This sequence change replaces glycine, which is neutral and non-polar, with aspartic acid, which is acidic and polar, at codon 397 of the DNM1 protein (p.Gly397Asp). This variant is not present in population databases (gnomAD no frequency). This missense change has been observed in individual(s) with clinical features of developmental and epileptic encephalopathy (PMID: 26795593; internal data). In at least one individual the variant was observed to be de novo. ClinVar contains an entry for this variant (Variation ID: 520569). Invitae Evidence Modeling of protein sequence and biophysical properties (such as structural, functional, and spatial information, amino acid conservation, physicochemical variation, residue mobility, and thermodynamic stability) indicates that this missense variant is expected to disrupt DNM1 protein function with a positive predictive value of 80%. For these reasons, this variant has been classified as Pathogenic.

Ambry Genetics
Classification: Pathogenic for Inborn genetic diseases. Last evaluated: 2014-09-17. Review status: criteria provided, single submitter. Criteria: Ambry Variant Classification Scheme 2023. Collection method: clinical testing. Allele origin: germline.
Comment: The c.1190G>A (p.G397D) alteration is located in exon 9 (coding exon 9) of the DNM1 gene. This alteration results from a G to A substitution at nucleotide position 1190, causing the glycine (G) at amino acid position 397 to be replaced by an aspartic acid (D). The alteration is not observed in healthy cohorts:_x000D_ Based on data from the NHLBI Exome Sequencing Project (ESP), the DNM1 c.1190G>A alteration was not observed among 5,837 individuals tested. Allele frequency data for this nucleotide position are not currently available from the 1000 Genomes Project, and the alteration is not currently listed in the Database of Single Nucleotide Polymorphisms (dbSNP)._x000D_ Though some variants may appear to be rare due to database-specific ethnic underrepresentation, rare missense alleles commonly exhibit a deleterious effect on protein function (Kryukov, 2007; Tennessen, 2012). IF USED, PULL THESE INTO REFERENCES:_x000D_ Kryukov GV, et al. (2007) Am J Hum Genet 80:727-739. Tennessen JA, et al. (2012) Science 337(64):64-69. The altered nucleotide is conserved throughout evolution:_x000D_ The c.1190G nucleotide is completely conserved in available vertebrate species._x000D_ _x000D_ The altered amino acid is conserved throughout evolution:_x000D_ The p.G397 amino acid is completely conserved in available vertebrate species. The c.1190G>A (p.G397D) alteration is located in coding exon 9 of the DNM1 gene. This alteration results from a G to A substitution at nucleotide position 1190, resulting in an amino acid substitution of aspartic acid (D) for glycine (G) at codon 397. The alteration is predicted deleterious by in silico models:_x000D_ The p.G397D alteration is predicted to be probably damaging by Polyphen and deleterious by SIFT in silico analyses._x000D_ _x000D_ The alteration is predicted not to affect splicing by in silico models:_x000D_ Based on BDGP and ESEfinder splice site in silico tools, this alteration does not have any significant effect on the native acceptor/donor splice site; however, direct evidence is unavailable. Based on the available evidence, this alteration is classified as pathogenic.

Literature cited by the submitters: PubMed 26795593 (cited by Labcorp Genetics (formerly Invitae), Labcorp).

NM_004408.4(DNM1):c.1190G>A (p.Gly397Asp)

Gene: DNM1 (dynamin 1; plus strand). Cytogenetic location: 9q34.11.
Variant type: single nucleotide variant.
Coding change: c.1190G>A on transcript NM_004408.4 (MANE Select); coding-DNA position 1190, G replaced by A.
Protein change: p.Gly397Asp; replaces glycine 397 with aspartic acid.
Molecular consequence: missense variant.
Genome position (GRCh38, 1-based): chr9:128,222,854, G>A. VCF-style: chr9-128222854-G-A. GRCh37 (hg19) VCF-style: chr9-130985133-G-A.
Other names: c.1190G>A, p.Gly397Asp (NM_001005336.3, NM_001288737.2, NM_001288738.2 and 1 more transcripts); short protein forms G397D.
Identifiers: ClinVar variation 520569 (VCV000520569.6), dbSNP rs1554774708, ClinGen allele CA375016699.